The following is an entry in ClinVar:

ClinVar aggregate classification (germline): Uncertain significance (1 of 4 stars; one submission).

Conditions:
Cardiovascular phenotype. Identifiers: MedGen CN230736.

Allele frequency attached by ClinVar (database versions not stated): gnomAD 0.00001.
gnomAD v4.1: 1 of 1,613,496 alleles (0.000062%); highest among the groups gnomAD compares: African/African-American, 0.0013%; no homozygotes.

Submission:

Ambry Genetics
Classification: Uncertain significance for Cardiovascular phenotype. Last evaluated: 2023-10-16. Review status: criteria provided, single submitter. Criteria: Ambry Variant Classification Scheme 2023. Collection method: clinical testing. Allele origin: germline.
Comment: The p.S1683N variant (also known as c.5048G>A), located in coding exon 35 of the LAMA4 gene, results from a G to A substitution at nucleotide position 5048. The serine at codon 1683 is replaced by asparagine, an amino acid with highly similar properties. This amino acid position is conserved. In addition, this alteration is predicted to be tolerated by in silico analysis. Since supporting evidence is limited at this time, the clinical significance of this alteration remains unclear.

NM_001105206.3(LAMA4):c.5069G>A (p.Ser1690Asn)

Gene: LAMA4 (laminin subunit alpha 4; minus strand). Cytogenetic location: 6q21.
Variant type: single nucleotide variant.
Coding change: c.5069G>A on transcript NM_001105206.3 (MANE Select); coding-DNA position 5069, G replaced by A.
Protein change: p.Ser1690Asn; replaces serine 1690 with asparagine.
Molecular consequence: missense variant.
Genome position (GRCh38, 1-based): chr6:112,115,906, C>T on the plus strand (G>A on the coding strand, the complement: LAMA4 is on the minus strand). VCF-style: chr6-112115906-C-T. GRCh37 (hg19) VCF-style: chr6-112437109-C-T.
Other names: c.5048G>A, p.Ser1683Asn (NM_001105207.3, NM_002290.5); short protein forms S1683N, S1690N.
Identifiers: ClinVar variation 3222056 (VCV003222056.1), dbSNP rs1777988686, ClinGen allele CA365365206.
Genomic context (GRCh38, chr6:112,115,906, plus strand): 5'-CATTTTTCAGACACTACCTGTCCATTTTTCATGTGAACATTTAGGTACTCCCCATTGACA[C>T]TGTGGCCGTGGACCAGGGTTCCGGAACTGCTTCTGGGACGGACTTCAAATGCAATTTCAA-3'
Protein context (NP_001098676.2, residues 1680-1700): SSSGTLVHGH[Ser1690Asn]VNGEYLNVHM